The following is an entry in ClinVar:

ClinVar aggregate classification (germline): Uncertain significance (1 of 4 stars; one submission).

Conditions:
Inborn genetic diseases. Identifiers: MedGen C0950123, MeSH D030342.

Submission:

Ambry Genetics
Classification: Uncertain significance for Inborn genetic diseases. Last evaluated: 2023-09-14. Review status: criteria provided, single submitter. Criteria: Ambry Variant Classification Scheme 2023. Collection method: clinical testing. Allele origin: germline.
Comment: The p.R254P variant (also known as c.761G>C), located in coding exon 9 of the ERCC2 gene, results from a G to C substitution at nucleotide position 761. The arginine at codon 254 is replaced by proline, an amino acid with dissimilar properties. This amino acid position is conserved. In addition, this alteration is predicted to be deleterious by in silico analysis. Since supporting evidence is limited at this time, the clinical significance of this alteration remains unclear.

NM_000400.4(ERCC2):c.761G>C (p.Arg254Pro)

Gene: ERCC2 (ERCC excision repair 2, TFIIH core complex helicase subunit; minus strand). Cytogenetic location: 19q13.32.
Variant type: single nucleotide variant.
Coding change: c.761G>C on transcript NM_000400.4 (MANE Select); coding-DNA position 761, G replaced by C.
Protein change: p.Arg254Pro; replaces arginine 254 with proline.
Molecular consequence: missense variant.
Genome position (GRCh38, 1-based): chr19:45,364,289, C>G on the plus strand (G>C on the coding strand, the complement: ERCC2 is on the minus strand). VCF-style: chr19-45364289-C-G. GRCh37 (hg19) VCF-style: chr19-45867547-C-G.
Other names: c.689G>C, p.Arg230Pro (NM_001130867.2); short protein forms R230P, R254P.
Identifiers: ClinVar variation 2586796 (VCV002586796.2), dbSNP rs2514031096, ClinGen allele CA406374162.